The following is an entry in ClinVar:

ClinVar aggregate classification (germline): Conflicting classifications of pathogenicity. Review status: criteria provided, conflicting classifications (1 of 4 stars). 2 submissions from 2 submitters: Uncertain significance (1); Likely benign (1). Last evaluated 2024-09-13.

Conditions:
Hereditary diffuse gastric adenocarcinoma (HDGC). Also called: DIFFUSE GASTRIC AND LOBULAR BREAST CANCER SYNDROME. Identifiers: Orphanet 26106, MedGen C1708349, MONDO:0007648, OMIM 137215.

Submissions (2):

Myriad Genetics, Inc.
Classification: Likely benign for Hereditary diffuse gastric adenocarcinoma. Last evaluated: 2024-09-13. Review status: criteria provided, single submitter. Criteria: Myriad Autosomal Dominant, Autosomal Recessive and X-Linked Classification Criteria (2023). Collection method: clinical testing. Allele origin: unknown.
Comment: This variant is considered likely benign. This variant is intronic and is not expected to impact mRNA splicing.

Quest Diagnostics Nichols Institute San Juan Capistrano
Classification: Uncertain significance. Last evaluated: 2023-02-22. Review status: criteria provided, single submitter. Criteria: Quest Diagnostics criteria. Collection method: clinical testing. Allele origin: unknown.
Comment: This variant has not been reported in the published literature. It also has not been reported in large, multi-ethnic general populations. Analysis of this variant using software algorithms for the prediction of the effect of nucleotide changes on splicing yielded predictions that this variant does not affect CDH1 mRNA splicing . Based on the available information, we are unable to determine the clinical significance of this variant.

NM_004360.5(CDH1):c.531+9A>G

Gene: CDH1 (cadherin 1; plus strand). Cytogenetic location: 16q22.1.
Variant type: single nucleotide variant.
Coding change: c.531+9A>G on transcript NM_004360.5 (MANE Select); 9 bases into the intron after coding-DNA position 531, A replaced by G.
Molecular consequence: intron variant.
Genome position (GRCh38, 1-based): chr16:68,808,576, A>G. VCF-style: chr16-68808576-A-G. GRCh37 (hg19) VCF-style: chr16-68842479-A-G.
Other names: c.-1085+9A>G (NM_001317185.2); c.-1289+9A>G (NM_001317186.2); c.531+9A>G (NM_001317184.2).
Identifiers: ClinVar variation 2681856 (VCV002681856.2), dbSNP rs2152129855, ClinGen allele CA2697554035.